The following is an entry in ClinVar:

NM_007294.4(BRCA1):c.5234A>C (p.Asn1745Thr)

Gene: BRCA1 (BRCA1 DNA repair associated; minus strand). Cytogenetic location: 17q21.31.
Variant type: single nucleotide variant.
Coding change: c.5234A>C on transcript NM_007294.4 (MANE Select); coding-DNA position 5234, A replaced by C.
Protein change: p.Asn1745Thr; replaces asparagine 1745 with threonine.
Molecular consequence: missense variant. On other transcripts: non-coding transcript variant (1).
Genome position (GRCh38, 1-based): chr17:43,057,095, T>G on the plus strand (A>C on the coding strand, the complement: BRCA1 is on the minus strand). VCF-style: chr17-43057095-T-G. GRCh37 (hg19) VCF-style: chr17-41209112-T-G.
Other names: c.5234A>C, p.Asn1745Thr (NM_001407594.1, NM_001407596.1, NM_001407597.1 and 7 more transcripts); c.5294A>C, p.Asn1765Thr (NM_001407590.1, NM_001407591.1); c.5300A>C, p.Asn1767Thr (NM_001407581.1, NM_001407582.1); c.5297A>C, p.Asn1766Thr (NM_001407583.1, NM_001407585.1, NM_001407587.1 and 1 more transcripts); c.5231A>C, p.Asn1744Thr (NM_001407610.1, NM_001407611.1, NM_001407612.1 and 17 more transcripts); c.5228A>C, p.Asn1743Thr (NM_001407629.1, NM_001407630.1, NM_001407631.1 and 14 more transcripts); c.5174A>C, p.Asn1725Thr (NM_001407649.1); c.5156A>C, p.Asn1719Thr (NM_001407652.1, NM_001407653.1, NM_001407654.1 and 1 more transcripts); and 72 more; short protein forms N1745T, N1766T, N641T, N1698T, N1449T, N1617T, N1634T, N1674T.
Identifiers: ClinVar variation 868210 (VCV000868210.3), dbSNP rs1567764456, ClinGen allele CA10591074.

Conditions:
Breast-ovarian cancer, familial, susceptibility to, 1 (BROVCA1). Also called: BRCA1 Hereditary Breast and Ovarian Cancer; OVARIAN CANCER, SUSCEPTIBILITY TO. Identifiers: Orphanet 145, MedGen C2676676, MONDO:0011450, OMIM 604370. Disease mechanism: loss of function.

Submission:

Brotman Baty Institute, University of Washington
No classification provided (evidence only). Condition: Breast-ovarian cancer, familial 1. Review status: no classification provided. Collection method: in vitro. Allele origin: not applicable. Functional consequence: functionally_normal.
ClinVar note: "not provided" was previously submitted as the classification for the variant. However, the classification appeared to be based only on an observation of functional data so it was converted to no classification on 2025-07-30.